The following is an entry in ClinVar:

ClinVar aggregate classification (germline): Likely pathogenic (1 of 4 stars; one submission).

Conditions:
Deficiency of alpha-mannosidase (MANSA). Also called: LYSOSOMAL ALPHA-D-MANNOSIDASE DEFICIENCY; Alpha-Mannosidosis; Mannosidosis, alpha-, types I and II. Identifiers: Orphanet 61, MedGen C0024748, MONDO:0009561, OMIM 248500.

Submission:

Labcorp Genetics (formerly Invitae), Labcorp
Classification: Likely pathogenic for Deficiency of alpha-mannosidase. Last evaluated: 2021-12-30. Review status: criteria provided, single submitter. Criteria: Invitae Variant Classification Sherloc (09022015). Collection method: clinical testing. Allele origin: germline.
Comment: In summary, the currently available evidence indicates that the variant is pathogenic, but additional data are needed to prove that conclusively. Therefore, this variant has been classified as Likely Pathogenic. This variant has not been reported in the literature in individuals affected with MAN2B1-related conditions. This variant results in a copy number gain of the genomic region encompassing exon(s) 15-18 of the MAN2B1 gene. While the exact position of this variant cannot be determined from the data, sub-genic copy number gains are generally in tandem (PMID: 25640679). This variant is predicted to be out-of-frame, and may result in an absent or disrupted protein product. Loss-of-function variants in MAN2B1 are known to be pathogenic (PMID: 9915946, 22161967).

Literature cited by the submitters: PubMed 25640679; PubMed 9915946; PubMed 22161967.

NC_000019.9:g.(?_12760707)_(12763294_?)dup

Gene: MAN2B1 (mannosidase alpha class 2B member 1; minus strand). Cytogenetic location: 19p13.2.
Variant type: Duplication.
Identifiers: ClinVar variation 2423230 (VCV002423230.4).